The following is an entry in ClinVar:

NM_006005.3(WFS1):c.1792_1793delinsAG (p.Ala598Arg)

Gene: WFS1 (wolframin ER transmembrane glycoprotein; plus strand). Cytogenetic location: 4p16.1.
Variant type: Indel.
Coding change: c.1792_1793delinsAG on transcript NM_006005.3 (MANE Select); coding-DNA positions 1792 to 1793, GC replaced by AG.
Protein change: p.Ala598Arg; replaces alanine 598 with arginine.
Molecular consequence: missense variant.
Genome position (GRCh38, 1-based): chr4:6,301,587-6,301,588, GC replaced by AG. VCF-style: chr4-6301587-GC-AG. GRCh37 (hg19) VCF-style: chr4-6303314-GC-AG.
Other names: c.1792_1793delinsAG, p.Ala598Arg (NM_001145853.1); short protein forms A598R.
Identifiers: ClinVar variation 3728552 (VCV003728552.2).

ClinVar aggregate classification (germline): Uncertain significance (1 of 4 stars; one submission).

Submission:

Labcorp Genetics (formerly Invitae), Labcorp
Classification: Uncertain significance. Last evaluated: 2025-01-06. Review status: criteria provided, single submitter. Criteria: Invitae Variant Classification Sherloc (09022015). Collection method: clinical testing. Allele origin: germline.
Comment: This sequence change replaces alanine, which is neutral and non-polar, with arginine, which is basic and polar, at codon 598 of the WFS1 protein (p.Ala598Arg). The frequency data for this variant in the population databases is considered unreliable, as metrics indicate poor data quality at this position in the gnomAD database. This variant has not been reported in the literature in individuals affected with WFS1-related conditions. An algorithm developed to predict the effect of missense changes on protein structure and function (PolyPhen-2) suggests that this variant is likely to be tolerated. In summary, the available evidence is currently insufficient to determine the role of this variant in disease. Therefore, it has been classified as a Variant of Uncertain Significance.